The following is an entry in ClinVar:

NM_144997.7(FLCN):c.297T>C (p.Asp99=)

Gene: FLCN (folliculin; minus strand). Cytogenetic location: 17p11.2.
Variant type: single nucleotide variant.
Coding change: c.297T>C on transcript NM_144997.7 (MANE Select); coding-DNA position 297, T replaced by C.
Protein change: p.Asp99=; no amino-acid change (aspartic acid 99 retained).
Molecular consequence: synonymous variant.
Genome position (GRCh38, 1-based): chr17:17,226,275, A>G on the plus strand (T>C on the coding strand, the complement: FLCN is on the minus strand). VCF-style: chr17-17226275-A-G. GRCh37 (hg19) VCF-style: chr17-17129589-A-G.
Other names: c.297T>C, p.Asp99= (NM_001353229.2, NM_001353230.2, NM_001353231.2 and 1 more transcripts).
Identifiers: ClinVar variation 755665 (VCV000755665.10), dbSNP rs1597613086, ClinGen allele CA498167701.

ClinVar aggregate classification (germline): Benign/Likely benign. Review status: criteria provided, multiple submitters, no conflicts (2 of 4 stars). 3 submissions from 3 submitters: Benign (1); Likely benign (2). Last evaluated 2024-10-22.

Conditions:
Birt-Hogg-Dube syndrome. Also called: Birt Hogg Dubé syndrome. Identifiers: Orphanet 122, MedGen C0346010, MONDO:0800444.
Hereditary cancer-predisposing syndrome. Also called: Tumor predisposition; Hereditary Cancer Syndrome; Neoplastic Syndromes, Hereditary; Hereditary neoplastic syndrome. Identifiers: Orphanet 140162, MedGen C0027672, MeSH D009386, MONDO:0015356.
Birt-Hogg-Dube syndrome 1 (BHD1). Also called: FIBROFOLLICULOMAS WITH TRICHODISCOMAS AND ACROCHORDONS. Identifiers: Orphanet 122, MedGen CN375946, MONDO:0800445, OMIM 135150.

Allele frequency attached by ClinVar (database versions not stated): gnomAD exomes below 0.00001.
gnomAD v4.1: 2 of 1,614,192 alleles (0.00012%); highest among the groups gnomAD compares: South Asian, 0.0011%; no homozygotes.

Submissions (3):

Myriad Genetics, Inc.
Classification: Benign for Birt-Hogg-Dube syndrome 1. Last evaluated: 2024-10-22. Review status: criteria provided, single submitter. Criteria: Myriad Autosomal Dominant, Autosomal Recessive and X-Linked Classification Criteria (2023). Collection method: clinical testing. Allele origin: unknown.
Comment: This variant is considered benign. This variant is a silent/synonymous amino acid change and it is not expected to impact splicing.

Labcorp Genetics (formerly Invitae), Labcorp
Classification: Likely benign for Birt-Hogg-Dube syndrome. Last evaluated: 2024-09-19. Review status: criteria provided, single submitter. Criteria: Invitae Variant Classification Sherloc (09022015). Collection method: clinical testing. Allele origin: germline.

Ambry Genetics
Classification: Likely benign for Hereditary cancer-predisposing syndrome. Last evaluated: 2022-12-07. Review status: criteria provided, single submitter. Criteria: Ambry Variant Classification Scheme 2023. Collection method: clinical testing. Allele origin: germline.